The following is an entry in ClinVar:

NM_005235.3(ERBB4):c.1993G>A (p.Val665Ile)

Gene: ERBB4 (erb-b2 receptor tyrosine kinase 4; minus strand). Cytogenetic location: 2q34.
Variant type: single nucleotide variant.
Coding change: c.1993G>A on transcript NM_005235.3 (MANE Select); coding-DNA position 1993, G replaced by A.
Protein change: p.Val665Ile; replaces valine 665 with isoleucine.
Molecular consequence: missense variant.
Genome position (GRCh38, 1-based): chr2:211,630,548, C>T on the plus strand (G>A on the coding strand, the complement: ERBB4 is on the minus strand). VCF-style: chr2-211630548-C-T. GRCh37 (hg19) VCF-style: chr2-212495273-C-T.
Other names: c.1993G>A, p.Val665Ile (NM_001042599.2); short protein forms V665I.
Identifiers: ClinVar variation 1448179 (VCV001448179.6), dbSNP rs1466213397, ClinGen allele CA350782684.
Genomic context (GRCh38, chr2:211,630,548, plus strand): 5'-CTCTTTTCTTTTTGATGCTCTTCCTTCTAACATAAACAGCAAATGTCAGACCCACAATGA[C>T]CAGAATGAAGAGCCCACCAATTACTCCAGCTGCAATCAGGGGAGTTCTGACAACCAGAAT-3'
Protein context (NP_005226.1, residues 655-675): AGVIGGLFIL[Val665Ile]IVGLTFAVYV

ClinVar aggregate classification (germline): Uncertain significance (1 of 4 stars; one submission).

Allele frequency attached by ClinVar (database versions not stated): gnomAD exomes below 0.00001; TOPMed 0.00001; gnomAD 0.00002.
gnomAD v4.1: 9 of 1,613,230 alleles (0.00056%); highest among the groups gnomAD compares: Non-Finnish European, 0.00068%; no homozygotes.

Submission:

Labcorp Genetics (formerly Invitae), Labcorp
Classification: Uncertain significance. Last evaluated: 2021-09-09. Review status: criteria provided, single submitter. Criteria: Invitae Variant Classification Sherloc (09022015). Collection method: clinical testing. Allele origin: germline.
Comment: Algorithms developed to predict the effect of missense changes on protein structure and function are either unavailable or do not agree on the potential impact of this missense change (SIFT: "Deleterious"; PolyPhen-2: "Benign"; Align-GVGD: "Class C25"). In summary, the available evidence is currently insufficient to determine the role of this variant in disease. Therefore, it has been classified as a Variant of Uncertain Significance. This sequence change replaces valine with isoleucine at codon 665 of the ERBB4 protein (p.Val665Ile). The valine residue is highly conserved and there is a small physicochemical difference between valine and isoleucine. This variant is not present in population databases (ExAC no frequency). This variant has not been reported in the literature in individuals affected with ERBB4-related conditions.